The following is an entry in ClinVar:

ClinVar aggregate classification (germline): Uncertain significance (1 of 4 stars; one submission).

Conditions:
FOXC2-related disorder. Also called: FOXC2-related condition.

Submission:

PreventionGenetics, part of Exact Sciences
Classification: Uncertain significance for FOXC2-related condition. Last evaluated: 2023-07-17. Review status: criteria provided, single submitter. Criteria: ACMG Guidelines, 2015. Collection method: clinical testing. Allele origin: germline.
Comment: The FOXC2 c.251C>A variant is predicted to result in the amino acid substitution p.Ala84Asp. To our knowledge, this variant has not been reported in the literature or in a large population database, indicating this variant is rare. At this time, the clinical significance of this variant is uncertain due to the absence of conclusive functional and genetic evidence.

NM_005251.3(FOXC2):c.251C>A (p.Ala84Asp)

Genes: FOXC2 (forkhead box C2; plus strand), FOXC2-AS1 (FOXC2 antisense RNA 1; minus strand). Cytogenetic location: 16q24.1.
Variant type: single nucleotide variant.
Coding change: c.251C>A on transcript NM_005251.3 (MANE Select); coding-DNA position 251, C replaced by A.
Protein change: p.Ala84Asp; replaces alanine 84 with aspartic acid.
Molecular consequence: missense variant.
Genome position (GRCh38, 1-based): chr16:86,567,586, C>A. VCF-style: chr16-86567586-C-A. GRCh37 (hg19) VCF-style: chr16-86601192-C-A.
Other names: short protein forms A84D.
Identifiers: ClinVar variation 2631715 (VCV002631715.1), dbSNP rs750865152, ClinGen allele CA397006483.